The following is an entry in ClinVar:

ClinVar aggregate classification (germline): Uncertain significance. Review status: criteria provided, multiple submitters, no conflicts (2 of 4 stars). 3 submissions from 3 submitters: Uncertain significance (3). Last evaluated 2024-04-15.

Conditions:
Hereditary cancer-predisposing syndrome. Also called: Hereditary Cancer Syndrome; Hereditary neoplastic syndrome; Neoplastic Syndromes, Hereditary; Tumor predisposition. Identifiers: Orphanet 140162, MedGen C0027672, MeSH D009386, MONDO:0015356.
Gorlin syndrome. Also called: Nevoid Basal Cell Carcinoma Syndrome; Basal cell nevus syndrome. Identifiers: Orphanet 377, MedGen C0004779, MONDO:0007187.

Allele frequency attached by ClinVar (database versions not stated): gnomAD exomes 0.00001.
gnomAD v4.1: 11 of 1,614,132 alleles (0.00068%); highest among the groups gnomAD compares: Non-Finnish European, 0.00093%; no homozygotes.

Submissions (3):

Labcorp Genetics (formerly Invitae), Labcorp
Classification: Uncertain significance for Gorlin syndrome. Last evaluated: 2024-04-15. Review status: criteria provided, single submitter. Criteria: Invitae Variant Classification Sherloc (09022015). Collection method: clinical testing. Allele origin: germline.
Comment: This sequence change replaces lysine, which is basic and polar, with glutamic acid, which is acidic and polar, at codon 1426 of the PTCH1 protein (p.Lys1426Glu). This variant is not present in population databases (gnomAD no frequency). This variant has not been reported in the literature in individuals affected with PTCH1-related conditions. ClinVar contains an entry for this variant (Variation ID: 2076846). Advanced modeling of protein sequence and biophysical properties (such as structural, functional, and spatial information, amino acid conservation, physicochemical variation, residue mobility, and thermodynamic stability) performed at Invitae indicates that this missense variant is not expected to disrupt PTCH1 protein function with a negative predictive value of 95%. In summary, the available evidence is currently insufficient to determine the role of this variant in disease. Therefore, it has been classified as a Variant of Uncertain Significance.

GeneDx
Classification: Uncertain significance. Last evaluated: 2024-03-15. Review status: criteria provided, single submitter. Criteria: GeneDx Variant Classification Process June 2021. Collection method: clinical testing. Allele origin: germline. Affected: yes.
Comment: Not observed at significant frequency in large population cohorts (gnomAD); In silico analysis supports that this missense variant does not alter protein structure/function; Has not been previously published as pathogenic or benign to our knowledge

Ambry Genetics
Classification: Uncertain significance for Hereditary cancer-predisposing syndrome. Last evaluated: 2023-11-10. Review status: criteria provided, single submitter. Criteria: Ambry Variant Classification Scheme 2023. Collection method: clinical testing. Allele origin: germline.
Comment: The p.K1426E variant (also known as c.4276A>G), located in coding exon 23 of the PTCH1 gene, results from an A to G substitution at nucleotide position 4276. The lysine at codon 1426 is replaced by glutamic acid, an amino acid with similar properties. This amino acid position is conserved. In addition, the in silico prediction for this alteration is inconclusive. Since supporting evidence is limited at this time, the clinical significance of this alteration remains unclear.

NM_000264.5(PTCH1):c.4276A>G (p.Lys1426Glu)

Gene: PTCH1 (patched 1; minus strand). Cytogenetic location: 9q22.32.
Variant type: single nucleotide variant.
Coding change: c.4276A>G on transcript NM_000264.5 (MANE Select); coding-DNA position 4276, A replaced by G.
Protein change: p.Lys1426Glu; replaces lysine 1426 with glutamic acid.
Molecular consequence: missense variant. On other transcripts: non-coding transcript variant (1).
Genome position (GRCh38, 1-based): chr9:95,446,980, T>C on the plus strand (A>G on the coding strand, the complement: PTCH1 is on the minus strand). VCF-style: chr9-95446980-T-C. GRCh37 (hg19) VCF-style: chr9-98209262-T-C.
Other names: c.4078A>G, p.Lys1360Glu (NM_001083602.3); c.4273A>G, p.Lys1425Glu (NM_001083603.3); c.3823A>G, p.Lys1275Glu (NM_001083604.3, NM_001083605.3, NM_001083606.3 and 1 more transcripts); c.4120A>G, p.Lys1374Glu (NM_001354918.2); short protein forms K1425E, K1426E, K1275E, K1360E, K1374E.
Identifiers: ClinVar variation 2076846 (VCV002076846.6), dbSNP rs2136571540, ClinGen allele CA374109975.